The following is an entry in ClinVar:

ClinVar aggregate classification (germline): Uncertain significance (1 of 4 stars; one submission).

Conditions:
Hereditary cancer-predisposing syndrome. Also called: Tumor predisposition; Hereditary Cancer Syndrome; Hereditary neoplastic syndrome; Neoplastic Syndromes, Hereditary. Identifiers: Orphanet 140162, MedGen C0027672, MeSH D009386, MONDO:0015356.

Submission:

Ambry Genetics
Classification: Uncertain significance for Hereditary cancer-predisposing syndrome. Last evaluated: 2025-11-12. Review status: criteria provided, single submitter. Criteria: Ambry Variant Classification Scheme 2023. Collection method: clinical testing. Allele origin: germline.
Comment: The p.Y118S variant (also known as c.353A>C), located in coding exon 2 of the STK11 gene, results from an A to C substitution at nucleotide position 353. The tyrosine at codon 118 is replaced by serine, an amino acid with dissimilar properties. This amino acid position is conserved. In addition, the in silico prediction for this alteration is inconclusive. Based on the available evidence, the clinical significance of this variant remains unclear.

NM_000455.5(STK11):c.353A>C (p.Tyr118Ser)

Gene: STK11 (serine/threonine kinase 11; plus strand). Cytogenetic location: 19p13.3.
Variant type: single nucleotide variant.
Coding change: c.353A>C on transcript NM_000455.5 (MANE Select); coding-DNA position 353, A replaced by C.
Protein change: p.Tyr118Ser; replaces tyrosine 118 with serine.
Molecular consequence: missense variant. On other transcripts: non-coding transcript variant (1).
Genome position (GRCh38, 1-based): chr19:1,218,479, A>C. VCF-style: chr19-1218479-A-C. GRCh37 (hg19) VCF-style: chr19-1218478-A-C.
Other names: c.353A>C, p.Tyr118Ser (NM_001407255.1); short protein forms Y118S.
Identifiers: ClinVar variation 4551384 (VCV004551384.1).